The following is an entry in ClinVar:

ClinVar aggregate classification (germline): Uncertain significance (1 of 4 stars; one submission).

Conditions:
Fibrosis, neurodegeneration, and cerebral angiomatosis. Also called: Fibrosis-neurodegeneration-cerebral angiomatosis syndrome. Identifiers: Orphanet 621758, MedGen C4748939, MONDO:0032651, OMIM 618278.

gnomAD v4.1: 1 of 1,614,160 alleles (0.000062%); highest among the groups gnomAD compares: Non-Finnish European, 0.000085%; no homozygotes.

Submission:

Department of Pediatrics, Division of Medical Genetics, Faculty of Medicine Ramathibodi Hospital, Mahidol University
Classification: Uncertain significance for Fibrosis, neurodegeneration, and cerebral angiomatosis. Review status: criteria provided, single submitter. Criteria: ACMG Guidelines, 2015. Collection method: research. Allele origin: germline. Inheritance: Autosomal recessive inheritance. Affected: yes.
Comment: A heterozygous c.1220C>T variant in the NHLRC2 gene was identified. In silico prediction tools indicate that this variant may affect protein function. This variant has not been reported in population-based cohorts, including the Genome Aggregation Database (gnomAD). For these reasons, and because it has been observed in individuals carrying another known pathogenic allele, this variant is considered clinically significant.

NM_198514.4(NHLRC2):c.1220C>T (p.Ala407Val)

Gene: NHLRC2 (NHL repeat containing 2; plus strand). Cytogenetic location: 10q25.3.
Variant type: single nucleotide variant.
Coding change: c.1220C>T on transcript NM_198514.4 (MANE Select); coding-DNA position 1220, C replaced by T.
Protein change: p.Ala407Val; replaces alanine 407 with valine.
Molecular consequence: missense variant.
Genome position (GRCh38, 1-based): chr10:113,901,746, C>T. VCF-style: chr10-113901746-C-T. GRCh37 (hg19) VCF-style: chr10-115661505-C-T.
Other names: short protein forms A407V.
Identifiers: ClinVar variation 4537384 (VCV004537384.1).